The following is an entry in ClinVar:

NM_001042492.3(NF1):c.797T>A (p.Val266Asp)

Gene: NF1 (neurofibromin 1; plus strand). Cytogenetic location: 17q11.2.
Variant type: single nucleotide variant.
Coding change: c.797T>A on transcript NM_001042492.3 (MANE Select); coding-DNA position 797, T replaced by A.
Protein change: p.Val266Asp; replaces valine 266 with aspartic acid.
Molecular consequence: missense variant.
Genome position (GRCh38, 1-based): chr17:31,182,574, T>A. VCF-style: chr17-31182574-T-A. GRCh37 (hg19) VCF-style: chr17-29509592-T-A.
Other names: c.797T>A, p.Val266Asp (NM_000267.4, NM_001128147.3); short protein forms V266D.
Identifiers: ClinVar variation 3237968 (VCV003237968.1), dbSNP rs2143785789.

ClinVar aggregate classification (germline): Uncertain significance (1 of 4 stars; one submission).

Conditions:
Hereditary cancer-predisposing syndrome. Also called: Neoplastic Syndromes, Hereditary; Tumor predisposition; Hereditary neoplastic syndrome; Hereditary Cancer Syndrome. Identifiers: Orphanet 140162, MedGen C0027672, MeSH D009386, MONDO:0015356.
Cardiovascular phenotype. Identifiers: MedGen CN230736.

Submission:

Ambry Genetics
Classification: Uncertain significance for Cardiovascular phenotype; Hereditary cancer-predisposing syndrome. Last evaluated: 2023-04-05. Review status: criteria provided, single submitter. Criteria: Ambry Variant Classification Scheme 2023. Collection method: clinical testing. Allele origin: germline.
Comment: The p.V266D variant (also known as c.797T>A), located in coding exon 8 of the NF1 gene, results from a T to A substitution at nucleotide position 797. The valine at codon 266 is replaced by aspartic acid, an amino acid with highly dissimilar properties. This amino acid position is conserved. In addition, this alteration is predicted to be deleterious by in silico analysis. Since supporting evidence is limited at this time, the clinical significance of this alteration remains unclear.